The following is an entry in ClinVar:

ClinVar aggregate classification (germline): Uncertain significance. Review status: criteria provided, multiple submitters, no conflicts (2 of 4 stars). 5 submissions from 5 submitters: Uncertain significance (4). 1 of the submissions does not count toward it. Last evaluated 2025-10-10.

Conditions:
Retinal dystrophy. Also called: Inherited retinal dystrophy. Identifiers: Orphanet 71862, MedGen C0854723, MeSH D058499, MONDO:0019118, HP:0000556.
SLC24A1-related disorder. Also called: SLC24A1-related condition.
Congenital stationary night blindness 1D. Also called: Night blindness, congenital stationary (complete), 1D, autosomal recessive. Identifiers: Orphanet 215, MedGen C3151193, MONDO:0013450, OMIM 613830.

Allele frequency attached by ClinVar (database versions not stated): gnomAD 0.00002; TOPMed 0.00003; ExAC 0.00004; gnomAD exomes 0.00004.
gnomAD v4.1: 59 of 1,613,118 alleles (0.0037%); highest among the groups gnomAD compares: Admixed American, 0.0067%; no homozygotes.

Submissions (5):

PreventionGenetics, part of Exact Sciences
Classification: Uncertain significance for SLC24A1-related condition. Last evaluated: 2025-10-10. Review status: criteria provided, single submitter. Criteria: ACMG Guidelines, 2015. Collection method: clinical testing. Allele origin: germline.
Comment: The SLC24A1 c.3051-9A>G variant is predicted to interfere with splicing. To our knowledge, this variant has not been reported in the literature. This variant is present in 0.0085% of alleles in individuals of Latino descent in gnomAD. At this time, the clinical significance of this variant is uncertain due to the absence of conclusive functional and genetic evidence.

Labcorp Genetics (formerly Invitae), Labcorp
Classification: Uncertain significance. Last evaluated: 2023-05-15. Review status: criteria provided, single submitter. Criteria: Invitae Variant Classification Sherloc (09022015). Collection method: clinical testing. Allele origin: germline.
Comment: This variant is present in population databases (rs774208027, gnomAD 0.009%). This sequence change falls in intron 9 of the SLC24A1 gene. It does not directly change the encoded amino acid sequence of the SLC24A1 protein. This variant has not been reported in the literature in individuals affected with SLC24A1-related conditions. In summary, the available evidence is currently insufficient to determine the role of this variant in disease. Therefore, it has been classified as a Variant of Uncertain Significance. Algorithms developed to predict the effect of sequence changes on RNA splicing suggest that this variant may disrupt the consensus splice site. ClinVar contains an entry for this variant (Variation ID: 886525).

Blueprint Genetics
Classification: Uncertain significance. Last evaluated: 2022-11-10. Review status: criteria provided, single submitter. Criteria: ACMG Guidelines, 2015. Collection method: clinical testing. Allele origin: germline.

Illumina Laboratory Services, Illumina
Classification: Uncertain significance for Congenital stationary night blindness 1D. Last evaluated: 2018-01-13. Review status: criteria provided, single submitter. Criteria: ICSL Variant Classification Criteria 13 December 2019. Collection method: clinical testing. Allele origin: germline.

Institute of Human Genetics, Univ. Regensburg, Univ. Regensburg
Classification: Uncertain significance for Retinal dystrophy. Last evaluated: 2022-01-01. Review status: no assertion criteria provided. Criteria: ACMG Guidelines, 2015. Collection method: clinical testing. Allele origin: germline. Affected: yes. Not counted in ClinVar's aggregate classification.

NM_004727.3(SLC24A1):c.3051-9A>G

Gene: SLC24A1 (solute carrier family 24 member 1; plus strand). Cytogenetic location: 15q22.31.
Variant type: single nucleotide variant.
Coding change: c.3051-9A>G on transcript NM_004727.3 (MANE Select); 9 bases into the intron before coding-DNA position 3051, A replaced by G.
Molecular consequence: intron variant.
Genome position (GRCh38, 1-based): chr15:65,653,821, A>G. VCF-style: chr15-65653821-A-G. GRCh37 (hg19) VCF-style: chr15-65946159-A-G.
Other names: c.2996+1013A>G (NM_001301033.2); c.2961-9A>G (NM_001301031.1); c.2997-9A>G (NM_001301032.1); c.1032-9A>G (NM_001254740.2).
Identifiers: ClinVar variation 886525 (VCV000886525.12), dbSNP rs774208027, ClinGen allele CA7620317.
Genomic context (GRCh38, chr15:65,653,821, plus strand): 5'-ACTACTATTTAAGTGTATGGGATTATTATAAACATTAAGGATATTCACATCGTTTCTTCA[A>G]TCTTGCAGCTTGCCTGTTCCTTGGTTGCTTTTCTCTCTTATCAATGGATTACAGCCAGTT-3'